The following is an entry in ClinVar:

ClinVar aggregate classification (germline): Uncertain significance (1 of 4 stars; one submission).

Conditions:
Inborn genetic diseases. Identifiers: MedGen C0950123, MeSH D030342.

gnomAD v4.1: 1 of 1,613,488 alleles (0.000062%); highest among the groups gnomAD compares: Admixed American, 0.0017%; no homozygotes.

Submission:

Ambry Genetics
Classification: Uncertain significance for Inborn genetic diseases. Last evaluated: 2025-02-08. Review status: criteria provided, single submitter. Criteria: Ambry Variant Classification Scheme 2023. Collection method: clinical testing. Allele origin: germline.
Comment: The p.P353R variant (also known as c.1058C>G), located in coding exon 12 of the FANCA gene, results from a C to G substitution at nucleotide position 1058. The proline at codon 353 is replaced by arginine, an amino acid with dissimilar properties. This amino acid position is conserved. In addition, this alteration is predicted to be tolerated by in silico analysis. Based on the available evidence, the clinical significance of this variant remains unclear.

NM_000135.4(FANCA):c.1058C>G (p.Pro353Arg)

Gene: FANCA (FA complementation group A; minus strand). Cytogenetic location: 16q24.3.
Variant type: single nucleotide variant.
Coding change: c.1058C>G on transcript NM_000135.4 (MANE Select); coding-DNA position 1058, C replaced by G.
Protein change: p.Pro353Arg; replaces proline 353 with arginine.
Molecular consequence: missense variant.
Genome position (GRCh38, 1-based): chr16:89,792,496, G>C on the plus strand (C>G on the coding strand, the complement: FANCA is on the minus strand). VCF-style: chr16-89792496-G-C. GRCh37 (hg19) VCF-style: chr16-89858904-G-C.
Other names: c.1058C>G, p.Pro353Arg (NM_001286167.3); short protein forms P353R.
Identifiers: ClinVar variation 3848208 (VCV003848208.1).